The following is an entry in ClinVar:

NM_173630.4(RTTN):c.3716C>T (p.Thr1239Met)

Gene: RTTN (rotatin; minus strand). Cytogenetic location: 18q22.2.
Variant type: single nucleotide variant.
Coding change: c.3716C>T on transcript NM_173630.4 (MANE Select); coding-DNA position 3716, C replaced by T.
Protein change: p.Thr1239Met; replaces threonine 1239 with methionine.
Molecular consequence: missense variant.
Genome position (GRCh38, 1-based): chr18:70,109,685, G>A on the plus strand (C>T on the coding strand, the complement: RTTN is on the minus strand). VCF-style: chr18-70109685-G-A. GRCh37 (hg19) VCF-style: chr18-67776921-G-A.
Other names: c.980C>T, p.Thr327Met (NM_001318520.2); short protein forms T1239M, T327M.
Identifiers: ClinVar variation 1509088 (VCV001509088.7), dbSNP rs781273470, ClinGen allele CA8995508.

ClinVar aggregate classification (germline): Uncertain significance. Review status: criteria provided, multiple submitters, no conflicts (2 of 4 stars). 2 submissions from 2 submitters: Uncertain significance (2). Last evaluated 2024-10-15.

Allele frequency attached by ClinVar (database versions not stated): gnomAD 0.00003 and 0.00004; ExAC 0.00004; gnomAD exomes 0.00004; TOPMed 0.00004.
gnomAD v4.1: 35 of 1,613,924 alleles (0.0022%); highest among the groups gnomAD compares: Middle Eastern, 0.016%; no homozygotes.

Submissions (2):

Labcorp Genetics (formerly Invitae), Labcorp
Classification: Uncertain significance. Last evaluated: 2024-10-15. Review status: criteria provided, single submitter. Criteria: Invitae Variant Classification Sherloc (09022015). Collection method: clinical testing. Allele origin: germline.
Comment: This sequence change replaces threonine, which is neutral and polar, with methionine, which is neutral and non-polar, at codon 1239 of the RTTN protein (p.Thr1239Met). This variant is present in population databases (rs781273470, gnomAD 0.006%). This missense change has been observed in individual(s) with clinical features of RTTN-related conditions (PMID: 36964972). This variant is also known as c.980C>T (p.Thr327Met). ClinVar contains an entry for this variant (Variation ID: 1509088). Invitae Evidence Modeling of protein sequence and biophysical properties (such as structural, functional, and spatial information, amino acid conservation, physicochemical variation, residue mobility, and thermodynamic stability) indicates that this missense variant is expected to disrupt RTTN protein function with a positive predictive value of 80%. Algorithms developed to predict the effect of sequence changes on RNA splicing suggest that this variant may create or strengthen a splice site. In summary, the available evidence is currently insufficient to determine the role of this variant in disease. Therefore, it has been classified as a Variant of Uncertain Significance.

Breakthrough Genomics
Classification: Uncertain significance. Review status: criteria provided, single submitter. Criteria: ACMG Guidelines, 2015. Collection method: not provided. Allele origin: germline. Inheritance: Autosomal recessive inheritance. Affected: yes.

Literature cited by the submitters: PubMed 36964972 (cited by Labcorp Genetics (formerly Invitae), Labcorp).